The following is an entry in ClinVar:

ClinVar aggregate classification (germline): Pathogenic (1 of 4 stars; one submission).

Submission:

Quest Diagnostics Nichols Institute San Juan Capistrano
Classification: Pathogenic. Last evaluated: 2024-07-08. Review status: criteria provided, single submitter. Criteria: Quest Diagnostics criteria. Collection method: clinical testing. Allele origin: unknown.
Comment: The MEN1 c.1173_1174del (p.Glu392Alafs*16) variant alters the translational reading frame of the MEN1 mRNA and causes the premature termination of MEN1 protein synthesis. This variant has not been reported in individuals with MEN1-related conditions in the published literature. This variant has not been reported in large, multi-ethnic general populations (Genome Aggregation Database). Based on the available information, this variant is classified as pathogenic.

NM_001370259.2(MEN1):c.1173_1174del (p.Glu392fs)

Gene: MEN1 (menin 1; minus strand). Cytogenetic location: 11q13.1.
Variant type: Deletion.
Coding change: c.1173_1174del on transcript NM_001370259.2 (MANE Select); coding-DNA positions 1173 to 1174, 2 bases deleted (GG; older notation c.1173_1174delGG).
Protein change: p.Glu392fs; shifts the reading frame from glutamic acid 392.
Molecular consequence: frameshift variant. On other transcripts: non-coding transcript variant (4).
Genome position (GRCh38, 1-based): chr11:64,805,646-64,805,647, CC deleted on the plus strand (GG on the coding strand, the reverse complement: MEN1 is on the minus strand); deleting any 2 consecutive bases within chr11:64,805,646-64,805,650 gives the same sequence; the c. name uses the placement nearest the transcript's 3' end. VCF-style (leftmost placement, unchanged base first): chr11-64805645-TCC-T. GRCh37 (hg19) VCF-style: chr11-64573117-TCC-T.
Other names: c.1188_1189del, p.Glu397fs (NM_000244.4, NM_001407145.1, NM_130800.3 and 4 more transcripts); c.1299_1300del, p.Glu434fs (NM_001370251.2, NM_001407142.1, NM_001407143.1 and 1 more transcripts); c.1173_1174del, p.Glu392fs (NM_001370260.2, NM_001370261.2, NM_001407146.1 and 3 more transcripts); c.1068_1069del, p.Glu357fs (NM_001370262.2, NM_001370263.2, NM_001407148.1 and 1 more transcripts); c.1314_1315del, p.Glu439fs (NM_001407150.1); c.1194_1195del, p.Glu399fs (NM_001407151.1); c.1170_1171delGG, p.Glu392Alafs (NM_130799.2); short protein forms E357fs, E434fs, E439fs, E392fs, E397fs, E399fs.
Identifiers: ClinVar variation 3572317 (VCV003572317.1).